The following is an entry in ClinVar:

NM_001267550.2(TTN):c.10285_10288dup (p.Asn3430fs)

Gene: TTN (titin; minus strand). Cytogenetic location: 2q31.2.
Variant type: Duplication.
Coding change: c.10285_10288dup on transcript NM_001267550.2 (MANE Select); coding-DNA positions 10285 to 10288, 4 bases duplicated (GCCA; older notation c.10285_10288dupGCCA).
Protein change: p.Asn3430fs; shifts the reading frame from asparagine 3430.
Molecular consequence: frameshift variant.
Genome position (GRCh38, 1-based): chr2:178,758,999-178,759,002, TGGC duplicated on the plus strand (GCCA on the coding strand, the reverse complement: TTN is on the minus strand); duplicating any 4 consecutive bases within chr2:178,758,999-178,759,004 gives the same sequence; the c. name uses the placement nearest the transcript's 3' end. VCF-style (leftmost placement, unchanged base first): chr2-178758998-T-TTGGC. GRCh37 (hg19) VCF-style: chr2-179623725-T-TTGGC.
Other names: c.10285_10288dup, p.Asn3430fs (NM_001256850.1, NM_133378.4, NM_133379.5); c.10147_10150dup, p.Asn3384fs (NM_003319.4, NM_133432.3, NM_133437.4); c.10147_10150dupGCCA (NM_003319.4); short protein forms N3384fs, N3430fs.
Identifiers: ClinVar variation 1018826 (VCV001018826.13), dbSNP rs2088191243, ClinGen allele CA1310610057.

ClinVar aggregate classification (germline): Conflicting classifications of pathogenicity. Review status: criteria provided, conflicting classifications (1 of 4 stars). 3 submissions from 3 submitters: Pathogenic (1); Likely pathogenic (1); Uncertain significance (1). Last evaluated 2025-09-20.

Conditions:
Cardiovascular phenotype. Identifiers: MedGen CN230736.
Dilated cardiomyopathy 1G (CMD1G). Identifiers: Orphanet 154, MedGen C1858763, MONDO:0011400, OMIM 604145.
Autosomal recessive limb-girdle muscular dystrophy type 2J (LGMDR10). Also called: Limb-girdle muscular dystrophy, type 2J; MUSCULAR DYSTROPHY, LIMB-GIRDLE, AUTOSOMAL RECESSIVE 10. Identifiers: Orphanet 140922, MedGen C1837342, MONDO:0012127, OMIM 608807.

Submissions (3):

Labcorp Genetics (formerly Invitae), Labcorp
Classification: Likely pathogenic for Dilated cardiomyopathy 1G; Autosomal recessive limb-girdle muscular dystrophy type 2J. Last evaluated: 2025-09-20. Review status: criteria provided, single submitter. Criteria: Invitae Variant Classification Sherloc (09022015). Collection method: clinical testing. Allele origin: germline.
Comment: This sequence change creates a premature translational stop signal (p.Asn3430Serfs*9) in the TTN gene. While this is not anticipated to result in nonsense mediated decay, it is expected to create a truncated TTN protein. This variant is not present in population databases (gnomAD no frequency). This variant has not been observed in the literature in individuals with autosomal recessive TTN-related conditions. This variant has been reported in individual(s) with clinical features of dilated cardiomyopathy (PMID: 37652022); however, the role of the variant in this condition is currently unclear. ClinVar contains an entry for this variant (Variation ID: 1018826). This variant is located in the I band of TTN (PMID: 25589632). Truncating variants in this region have been reported in individuals affected with autosomal recessive centronuclear myopathy (PMID: 23975875, internal data). Truncating variants in this region have also been identified in individuals affected with autosomal dominant dilated cardiomyopathy and/or cardio-related conditions (PMID: 27869827, 32964742, internal data). In summary, the currently available evidence indicates that the variant is pathogenic, but additional data are needed to prove that conclusively. Therefore, this variant has been classified as Likely Pathogenic.

Revvity Omics, Revvity
Classification: Uncertain significance. Last evaluated: 2025-06-27. Review status: criteria provided, single submitter. Criteria: ACMG Guidelines, 2015. Collection method: clinical testing. Allele origin: germline.

Ambry Genetics
Classification: Pathogenic for Cardiovascular phenotype. Last evaluated: 2024-09-14. Review status: criteria provided, single submitter. Criteria: Ambry Variant Classification Scheme 2023. Collection method: clinical testing. Allele origin: germline.
Comment: The c.10147_10150dupGCCA pathogenic mutation, located in coding exon 42 of the TTN gene, results from a duplication of four nucleotides at nucleotide positions 10147 to 10150, causing a translational frameshift with a predicted alternate stop codon (p.N3384Sfs*9). This exon is located in the I-band region of the N2-B isoform of the titin protein and is constitutively expressed in TTN transcripts (percent spliced in or PSI 100%). This alteration has been reported in individuals with dilated cardiomyopathy (DCM) (Ambry internal data). This variant is considered to be rare based on population cohorts in the Genome Aggregation Database (gnomAD). While truncating variants in TTN are present in 1-3% of the general population, truncating variants in the A-band are the most common cause of DCM (Herman DS et al. N. Engl. J. Med. 2012 Feb;366:619-28; Roberts AM et al. Sci Transl Med. 2015 Jan;7:270ra6). TTN truncating variants encoded in constitutive exons (PSI >90%) have been found to be significantly associated with DCM regardless of their position in titin (Schafer S et al. Nat. Genet. 2017 Jan;49:46-53). This alteration is expected to result in loss of function by premature protein truncation or nonsense-mediated mRNA decay. Based on the supporting evidence, this variant is interpreted as a disease-causing mutation.

Literature cited by the submitters: PubMed 37652022 (cited by Labcorp Genetics (formerly Invitae), Labcorp); PubMed 25589632 (cited by Labcorp Genetics (formerly Invitae), Labcorp); PubMed 23975875 (cited by Labcorp Genetics (formerly Invitae), Labcorp); PubMed 27869827 (cited by Labcorp Genetics (formerly Invitae), Labcorp); PubMed 32964742 (cited by Labcorp Genetics (formerly Invitae), Labcorp).